The following is an entry in ClinVar:

NM_201384.3(PLEC):c.12685A>G (p.Ile4229Val)

Gene: PLEC (plectin; minus strand). Cytogenetic location: 8q24.3.
Variant type: single nucleotide variant.
Coding change: c.12685A>G on transcript NM_201384.3 (MANE Select); coding-DNA position 12685, A replaced by G.
Protein change: p.Ile4229Val; replaces isoleucine 4229 with valine.
Molecular consequence: missense variant.
Genome position (GRCh38, 1-based): chr8:143,917,136, T>C on the plus strand (A>G on the coding strand, the complement: PLEC is on the minus strand). VCF-style: chr8-143917136-T-C. GRCh37 (hg19) VCF-style: chr8-144991304-T-C.
Other names: c.12766A>G, p.Ile4256Val (NM_000445.5); c.9385A>G, p.Ile3129Val (NM_001410941.1); c.12643A>G, p.Ile4215Val (NM_201378.4); c.12619A>G, p.Ile4207Val (NM_201379.3); c.13096A>G, p.Ile4366Val (NM_201380.4); c.12589A>G, p.Ile4197Val (NM_201381.3); c.12685A>G, p.Ile4229Val (NM_201382.4); c.12697A>G, p.Ile4233Val (NM_201383.3); short protein forms I3129V, I4233V, I4197V, I4207V, I4366V, I4215V, I4229V, I4256V.
Identifiers: ClinVar variation 2194648 (VCV002194648.4), dbSNP rs2539198410, ClinGen allele CA372479665.
Genomic context (GRCh38, chr8:143,917,136, plus strand): 5'-AGGAGGAACGGGAGCGGAAACCACCGGCGTTGCCCGAGAGCATGTCGGCGAACTCGGTGA[T>C]GGAGAGCGTGCCGGCGCGGTACTGGTCCAGTGCCGAGCGGTCGATGAGGTTCTTGGCGAT-3'
Protein context (NP_958786.1, residues 4219-4239): LDQYRAGTLS[Ile4229Val]TEFADMLSGN

ClinVar aggregate classification (germline): Uncertain significance (1 of 4 stars; one submission).

Conditions:
Epidermolysis bullosa simplex with nail dystrophy (EBS5D). Identifiers: MedGen C4225309, MONDO:0014661, OMIM 616487.
Epidermolysis bullosa simplex 5B, with muscular dystrophy (EBS5B). Also called: EPIDERMOLYSIS BULLOSA SIMPLEX AND LIMB-GIRDLE MUSCULAR DYSTROPHY; Epidermolysis bullosa simplex with muscular dystrophy. Identifiers: Orphanet 257, MedGen C2931072, MONDO:0009181, OMIM 226670.
Epidermolysis bullosa simplex, Ogna type (EBS5A). Also called: Pidermolysis bullosa simplex 5A, Ogna type; EPIDERMOLYSIS BULLOSA SIMPLEX 5A, OGNA TYPE. Identifiers: Orphanet 79401, MedGen C0432317, MONDO:0007555, OMIM 131950.
Epidermolysis bullosa simplex 5C, with pyloric atresia (EBS5C). Also called: Epidermolysis bullosa simplex with pyloric atresia; PLEC-Related Epidermolysis Bullosa with Pyloric Atresia; PLEC1-Related Epidermolysis Bullosa with Pyloric Atresia. Identifiers: Orphanet 158684, MedGen C2677349, MONDO:0012807, OMIM 612138.
Autosomal recessive limb-girdle muscular dystrophy type 2Q (LGMDR17). Also called: MUSCULAR DYSTROPHY, LIMB-GIRDLE, AUTOSOMAL RECESSIVE 17. Identifiers: Orphanet 254361, MedGen C3150989, MONDO:0013390, OMIM 613723.

Submission:

Labcorp Genetics (formerly Invitae), Labcorp
Classification: Uncertain significance for Autosomal recessive limb-girdle muscular dystrophy type 2Q; Epidermolysis bullosa simplex, Ogna type; Epidermolysis bullosa simplex with nail dystrophy; Epidermolysis bullosa simplex 5C, with pyloric atresia; Epidermolysis bullosa simplex 5B, with muscular dystrophy. Last evaluated: 2022-03-20. Review status: criteria provided, single submitter. Criteria: Invitae Variant Classification Sherloc (09022015). Collection method: clinical testing. Allele origin: germline.
Comment: This variant has not been reported in the literature in individuals affected with PLEC-related conditions. Algorithms developed to predict the effect of missense changes on protein structure and function (SIFT, PolyPhen-2, Align-GVGD) all suggest that this variant is likely to be disruptive. In summary, the available evidence is currently insufficient to determine the role of this variant in disease. Therefore, it has been classified as a Variant of Uncertain Significance. This sequence change replaces isoleucine, which is neutral and non-polar, with valine, which is neutral and non-polar, at codon 4256 of the PLEC protein (p.Ile4256Val). This variant is not present in population databases (gnomAD no frequency).